The following is an entry in ClinVar:

NM_005359.6(SMAD4):c.205A>T (p.Ser69Cys)

Gene: SMAD4 (SMAD family member 4; plus strand). Cytogenetic location: 18q21.2.
Variant type: single nucleotide variant.
Coding change: c.205A>T on transcript NM_005359.6 (MANE Select); coding-DNA position 205, A replaced by T.
Protein change: p.Ser69Cys; replaces serine 69 with cysteine.
Molecular consequence: missense variant. On other transcripts: non-coding transcript variant (2).
Genome position (GRCh38, 1-based): chr18:51,047,251, A>T. VCF-style: chr18-51047251-A-T. GRCh37 (hg19) VCF-style: chr18-48573621-A-T.
Other names: c.205A>T, p.Ser69Cys (NM_001407041.1, NM_001407042.1, NM_001407043.1); short protein forms S69C.
Identifiers: ClinVar variation 3718926 (VCV003718926.2).
Genomic context (GRCh38, chr18:51,047,251, plus strand): 5'-GAGAAAAAAGATGAATTGGATTCTTTAATAACAGCTATAACTACAAATGGAGCTCATCCT[A>T]GTAAATGTGTTACCATACAGAGAACATTGGATGGGAGGCTTCAGGTTAGTCTTATAAGAG-3'
Protein context (NP_005350.1, residues 59-79): TAITTNGAHP[Ser69Cys]KCVTIQRTLD

ClinVar aggregate classification (germline): Uncertain significance (1 of 4 stars; one submission).

Conditions:
Juvenile polyposis syndrome (JPS). Identifiers: Orphanet 2929, MedGen C0345893, MONDO:0017380, OMIM 174900.

Submission:

Labcorp Genetics (formerly Invitae), Labcorp
Classification: Uncertain significance for Juvenile polyposis syndrome. Last evaluated: 2024-10-20. Review status: criteria provided, single submitter. Criteria: Invitae Variant Classification Sherloc (09022015). Collection method: clinical testing. Allele origin: germline.
Comment: This sequence change replaces serine, which is neutral and polar, with cysteine, which is neutral and slightly polar, at codon 69 of the SMAD4 protein (p.Ser69Cys). This variant is not present in population databases (gnomAD no frequency). This variant has not been reported in the literature in individuals affected with SMAD4-related conditions. Invitae Evidence Modeling of protein sequence and biophysical properties (such as structural, functional, and spatial information, amino acid conservation, physicochemical variation, residue mobility, and thermodynamic stability) has been performed for this missense variant. However, the output from this modeling did not meet the statistical confidence thresholds required to predict the impact of this variant on SMAD4 protein function. In summary, the available evidence is currently insufficient to determine the role of this variant in disease. Therefore, it has been classified as a Variant of Uncertain Significance.